The following is an entry in ClinVar:

ClinVar aggregate classification (germline): Uncertain significance (1 of 4 stars; one submission).

Allele frequency attached by ClinVar (database versions not stated): gnomAD exomes below 0.00001; ExAC 0.00002.
gnomAD v4.1: 2 of 1,614,178 alleles (0.00012%); highest among the groups gnomAD compares: South Asian, 0.0022%; no homozygotes.

Submission:

Labcorp Genetics (formerly Invitae), Labcorp
Classification: Uncertain significance. Last evaluated: 2022-01-10. Review status: criteria provided, single submitter. Criteria: Invitae Variant Classification Sherloc (09022015). Collection method: clinical testing. Allele origin: germline.
Comment: This sequence change replaces phenylalanine, which is neutral and non-polar, with valine, which is neutral and non-polar, at codon 344 of the KCNJ1 protein (p.Phe344Val). This variant is present in population databases (rs750273924, gnomAD 0.01%). This variant has not been reported in the literature in individuals affected with KCNJ1-related conditions. Algorithms developed to predict the effect of missense changes on protein structure and function (SIFT, PolyPhen-2, Align-GVGD) all suggest that this variant is likely to be disruptive. In summary, the available evidence is currently insufficient to determine the role of this variant in disease. Therefore, it has been classified as a Variant of Uncertain Significance.

NM_153766.3(KCNJ1):c.973T>G (p.Phe325Val)

Gene: KCNJ1 (potassium inwardly rectifying channel subfamily J member 1; minus strand). Cytogenetic location: 11q24.3.
Variant type: single nucleotide variant.
Coding change: c.973T>G on transcript NM_153766.3 (MANE Select); coding-DNA position 973, T replaced by G.
Protein change: p.Phe325Val; replaces phenylalanine 325 with valine.
Molecular consequence: missense variant.
Genome position (GRCh38, 1-based): chr11:128,839,271, A>C on the plus strand (T>G on the coding strand, the complement: KCNJ1 is on the minus strand). VCF-style: chr11-128839271-A-C. GRCh37 (hg19) VCF-style: chr11-128709166-A-C.
Other names: c.1030T>G, p.Phe344Val (NM_000220.6); c.973T>G, p.Phe325Val (NM_153764.3, NM_153767.4); c.1024T>G, p.Phe342Val (NM_153765.3); short protein forms F342V, F344V, F325V.
Identifiers: ClinVar variation 2077566 (VCV002077566.1), dbSNP rs750273924, ClinGen allele CA6357406.